The following is an entry in ClinVar:

NM_000399.5(EGR2):c.193A>G (p.Thr65Ala)

Gene: EGR2 (early growth response 2; minus strand). Cytogenetic location: 10q21.3.
Variant type: single nucleotide variant.
Coding change: c.193A>G on transcript NM_000399.5 (MANE Select); coding-DNA position 193, A replaced by G.
Protein change: p.Thr65Ala; replaces threonine 65 with alanine.
Molecular consequence: missense variant.
Genome position (GRCh38, 1-based): chr10:62,814,445, T>C on the plus strand (A>G on the coding strand, the complement: EGR2 is on the minus strand). VCF-style: chr10-62814445-T-C. GRCh37 (hg19) VCF-style: chr10-64574205-T-C.
Other names: c.193A>G, p.Thr65Ala (NM_001136177.3, NM_001136178.2); c.43A>G, p.Thr15Ala (NM_001136179.3, NM_001321037.2); c.232A>G, p.Thr78Ala (NM_001410931.1); short protein forms T15A, T78A, T65A.
Identifiers: ClinVar variation 2718381 (VCV002718381.3), dbSNP rs1842211725, ClinGen allele CA377032534.

ClinVar aggregate classification (germline): Uncertain significance (1 of 4 stars; one submission).

Conditions:
Charcot-Marie-Tooth disease, type I (CMT1). Also called: Charcot-Marie-Tooth, Type 1; Charcot-Marie-Tooth disease type 1. Identifiers: Orphanet 65753, MedGen C0751036, MONDO:0019011.

gnomAD v4.1: 5 of 1,613,996 alleles (0.00031%); highest among the groups gnomAD compares: Admixed American, 0.0017%; no homozygotes.

Submission:

Labcorp Genetics (formerly Invitae), Labcorp
Classification: Uncertain significance for Charcot-Marie-Tooth disease, type I. Last evaluated: 2022-11-29. Review status: criteria provided, single submitter. Criteria: Invitae Variant Classification Sherloc (09022015). Collection method: clinical testing. Allele origin: germline.
Comment: In summary, the available evidence is currently insufficient to determine the role of this variant in disease. Therefore, it has been classified as a Variant of Uncertain Significance. Advanced modeling of protein sequence and biophysical properties (such as structural, functional, and spatial information, amino acid conservation, physicochemical variation, residue mobility, and thermodynamic stability) performed at Invitae indicates that this missense variant is not expected to disrupt EGR2 protein function. This variant has not been reported in the literature in individuals affected with EGR2-related conditions. This variant is not present in population databases (gnomAD no frequency). This sequence change replaces threonine, which is neutral and polar, with alanine, which is neutral and non-polar, at codon 65 of the EGR2 protein (p.Thr65Ala).